The following is an entry in ClinVar:

Conditions:
Breast-ovarian cancer, familial, susceptibility to, 1 (BROVCA1). Also called: BRCA1 Hereditary Breast and Ovarian Cancer; OVARIAN CANCER, SUSCEPTIBILITY TO. Identifiers: Orphanet 145, MedGen C2676676, MONDO:0011450, OMIM 604370. Disease mechanism: loss of function.

Submission:

Brotman Baty Institute, University of Washington
No classification provided (evidence only). Condition: Breast-ovarian cancer, familial 1. Review status: no classification provided. Collection method: in vitro. Allele origin: not applicable. Functional consequence: functionally_normal.
ClinVar note: "not provided" was previously submitted as the classification for the variant. However, the classification appeared to be based only on an observation of functional data so it was converted to no classification on 2025-07-30.

NM_007294.4(BRCA1):c.194A>G (p.Lys65Arg)

Gene: BRCA1 (BRCA1 DNA repair associated; minus strand). Cytogenetic location: 17q21.31.
Variant type: single nucleotide variant.
Coding change: c.194A>G on transcript NM_007294.4 (MANE Select); coding-DNA position 194, A replaced by G.
Protein change: p.Lys65Arg; replaces lysine 65 with arginine.
Molecular consequence: missense variant.
Genome position (GRCh38, 1-based): chr17:43,106,474, T>C on the plus strand (A>G on the coding strand, the complement: BRCA1 is on the minus strand). VCF-style: chr17-43106474-T-C. GRCh37 (hg19) VCF-style: chr17-41258491-T-C.
Other names: c.194A>G, p.Lys65Arg (NM_001407581.1, NM_001407582.1, NM_001407583.1 and 168 more transcripts); c.53A>G, p.Lys18Arg (NM_001407692.1, NM_001407694.1, NM_001407695.1 and 99 more transcripts); short protein forms K18R, K65R.
Identifiers: ClinVar variation 868266 (VCV000868266.3), dbSNP rs2054775618, ClinGen allele CA10601781.